The following is an entry in ClinVar:

NM_002968.3(SALL1):c.2947G>C (p.Glu983Gln)

Gene: SALL1 (spalt like transcription factor 1; minus strand). Cytogenetic location: 16q12.1.
Variant type: single nucleotide variant.
Coding change: c.2947G>C on transcript NM_002968.3 (MANE Select); coding-DNA position 2947, G replaced by C.
Protein change: p.Glu983Gln; replaces glutamic acid 983 with glutamine.
Molecular consequence: missense variant.
Genome position (GRCh38, 1-based): chr16:51,139,275, C>G on the plus strand (G>C on the coding strand, the complement: SALL1 is on the minus strand). VCF-style: chr16-51139275-C-G. GRCh37 (hg19) VCF-style: chr16-51173186-C-G.
Other names: c.2656G>C, p.Glu886Gln (NM_001127892.2); c.2947G>C (NM_002968.2); short protein forms E886Q, E983Q.
Identifiers: ClinVar variation 1415731 (VCV001415731.16), dbSNP rs762072595, ClinGen allele CA8053008.

ClinVar aggregate classification (germline): Conflicting classifications of pathogenicity. Review status: criteria provided, conflicting classifications (1 of 4 stars). 4 submissions from 4 submitters: Uncertain significance (3); Likely benign (1). Last evaluated 2025-07-01.

Conditions:
Townes syndrome (TBS). Also called: Townes-Brocks syndrome. Identifiers: Orphanet 857, MedGen C0265246, MeSH C536974, MONDO:0007142.
Townes-Brocks syndrome 1 (TBS1). Also called: DEAFNESS, SENSORINEURAL, WITH IMPERFORATE ANUS AND THUMB ANOMALIES; REAR SYNDROME; RENAL-EAR-ANAL-RADIAL SYNDROME; SALL1-Related Townes-Brocks Syndrome. Identifiers: Orphanet 857, MedGen C4551481, MONDO:0054581, OMIM 107480.
SALL1-related disorder. Also called: SALL1-related condition.

Allele frequency attached by ClinVar (database versions not stated): gnomAD exomes 0.00002 and 0.00003; TOPMed 0.00003; ExAC 0.00004; gnomAD 0.00004.
gnomAD v4.1: 40 of 1,614,082 alleles (0.0025%); highest among the groups gnomAD compares: Non-Finnish European, 0.003%; 1 homozygote.

Submissions (4):

CeGaT Center for Human Genetics Tuebingen
Classification: Likely benign. Last evaluated: 2025-07-01. Review status: criteria provided, single submitter. Criteria: CeGaT Center For Human Genetics Tuebingen Variant Classification Criteria Version 2. Collection method: clinical testing. Allele origin: germline. Affected: yes. Observed: 1 variant allele.
Comment: SALL1: BP5, BS2

PreventionGenetics, part of Exact Sciences
Classification: Uncertain significance for SALL1-related condition. Last evaluated: 2023-09-20. Review status: criteria provided, single submitter. Criteria: ACMG Guidelines, 2015. Collection method: clinical testing. Allele origin: germline.
Comment: The SALL1 c.2947G>C variant is predicted to result in the amino acid substitution p.Glu983Gln. To our knowledge, this variant has not been reported in the literature. This variant is reported in 0.0062% of alleles in individuals of European (non-Finnish) descent in gnomAD, including 1 homozygous individual. At this time, the clinical significance of this variant is uncertain due to the absence of conclusive functional and genetic evidenc

Labcorp Genetics (formerly Invitae), Labcorp
Classification: Uncertain significance for Townes syndrome. Last evaluated: 2022-02-08. Review status: criteria provided, single submitter. Criteria: Invitae Variant Classification Sherloc (09022015). Collection method: clinical testing. Allele origin: germline.
Comment: In summary, the available evidence is currently insufficient to determine the role of this variant in disease. Therefore, it has been classified as a Variant of Uncertain Significance. Algorithms developed to predict the effect of missense changes on protein structure and function (SIFT, PolyPhen-2, Align-GVGD) all suggest that this variant is likely to be tolerated. This variant has not been reported in the literature in individuals affected with SALL1-related conditions. This variant is present in population databases (rs762072595, gnomAD 0.006%), including at least one homozygous and/or hemizygous individual. This sequence change replaces glutamic acid, which is acidic and polar, with glutamine, which is neutral and polar, at codon 983 of the SALL1 protein (p.Glu983Gln).

Fulgent Genetics
Classification: Uncertain significance for Townes-Brocks syndrome 1. Last evaluated: 2022-01-01. Review status: criteria provided, single submitter. Criteria: ACMG Guidelines, 2015. Collection method: clinical testing. Allele origin: unknown.